The following is an entry in ClinVar:

ClinVar aggregate classification (germline): Uncertain significance. Review status: criteria provided, multiple submitters, no conflicts (2 of 4 stars). 2 submissions from 2 submitters: Uncertain significance (2). Last evaluated 2025-05-13.

Allele frequency attached by ClinVar (database versions not stated): gnomAD exomes 0.00001; ExAC 0.00002; TOPMed 0.00005; gnomAD 0.00006.
gnomAD v4.1: 19 of 1,490,582 alleles (0.0013%); highest among the groups gnomAD compares: African/African-American, 0.022%; no homozygotes.

Submissions (2):

Labcorp Genetics (formerly Invitae), Labcorp
Classification: Uncertain significance. Last evaluated: 2025-05-13. Review status: criteria provided, single submitter. Criteria: Invitae Variant Classification Sherloc (09022015). Collection method: clinical testing. Allele origin: germline.
Comment: This sequence change replaces alanine, which is neutral and non-polar, with valine, which is neutral and non-polar, at codon 565 of the RELB protein (p.Ala565Val). The frequency data for this variant in the population databases is considered unreliable, as metrics indicate poor data quality at this position in the gnomAD database. This variant has not been reported in the literature in individuals affected with RELB-related conditions. ClinVar contains an entry for this variant (Variation ID: 1979262). An algorithm developed to predict the effect of missense changes on protein structure and function outputs the following: PolyPhen-2: "Benign". The valine amino acid residue is found in multiple mammalian species, which suggests that this missense change does not adversely affect protein function. In summary, the available evidence is currently insufficient to determine the role of this variant in disease. Therefore, it has been classified as a Variant of Uncertain Significance.

Ambry Genetics
Classification: Uncertain significance. Last evaluated: 2021-06-11. Review status: criteria provided, single submitter. Criteria: Ambry Variant Classification Scheme 2023. Collection method: clinical testing. Allele origin: germline.

NM_006509.4(RELB):c.1694C>T (p.Ala565Val)

Gene: RELB (RELB proto-oncogene, NF-kB subunit; plus strand). Cytogenetic location: 19q13.32.
Variant type: single nucleotide variant.
Coding change: c.1694C>T on transcript NM_006509.4 (MANE Select); coding-DNA position 1694, C replaced by T.
Protein change: p.Ala565Val; replaces alanine 565 with valine.
Molecular consequence: missense variant.
Genome position (GRCh38, 1-based): chr19:45,037,744, C>T. VCF-style: chr19-45037744-C-T. GRCh37 (hg19) VCF-style: chr19-45541002-C-T.
Other names: c.1685C>T, p.Ala562Val (NM_001411087.1); short protein forms A565V, A562V.
Identifiers: ClinVar variation 1979262 (VCV001979262.5), dbSNP rs771519302, ClinGen allele CA9507935.